The following is an entry in ClinVar:

ClinVar aggregate classification (germline): Uncertain significance (1 of 4 stars; one submission).

Allele frequency attached by ClinVar (database versions not stated): gnomAD exomes below 0.00001 and 0.00001; TOPMed below 0.00001; gnomAD 0.00001.
gnomAD v4.1: 8 of 1,601,272 alleles (0.0005%); highest among the groups gnomAD compares: South Asian, 0.0033%; no homozygotes.

Submission:

GeneDx
Classification: Uncertain significance. Last evaluated: 2019-10-07. Review status: criteria provided, single submitter. Criteria: GeneDx Variant Classification Process June 2021. Collection method: clinical testing. Allele origin: germline. Affected: yes.
Comment: Not observed at a significant frequency in large population cohorts (Lek et al., 2016); Has not been previously published as pathogenic or benign to our knowledge; In-silico analysis, which includes splice predictors and evolutionary conservation, is inconclusive as to whether the variant alters gene splicing. In the absence of RNA/functional studies, the actual effect of this sequence change is unknown.

NM_015272.5(RPGRIP1L):c.777G>A (p.Arg259=)

Gene: RPGRIP1L (RPGRIP1 like; minus strand). Cytogenetic location: 16q12.2.
Variant type: single nucleotide variant.
Coding change: c.777G>A on transcript NM_015272.5 (MANE Select); coding-DNA position 777, G replaced by A.
Protein change: p.Arg259=; no amino-acid change (arginine 259 retained).
Molecular consequence: synonymous variant.
Genome position (GRCh38, 1-based): chr16:53,675,122, C>T on the plus strand (G>A on the coding strand, the complement: RPGRIP1L is on the minus strand). VCF-style: chr16-53675122-C-T. GRCh37 (hg19) VCF-style: chr16-53709034-C-T.
Other names: c.777G>A, p.Arg259= (NM_001127897.4, NM_001308334.3, NM_001330538.2).
Identifiers: ClinVar variation 1308870 (VCV001308870.2), dbSNP rs1490733899, ClinGen allele CA495538984.
Genomic context (GRCh38, chr16:53,675,122, plus strand): 5'-GCTTTTCTCTACTAGCTGTTTATGAAGCTTAATCATTTCTACATTGTCCCGAATATTTGA[C>T]CTTCAGAGTTGTGTTTAAGAAAAAGAGAGACAGAAGTAAAAAACGCAAGTTAGAAGAAAA-3'
Protein context (NP_056087.2, residues 249-269): QLREQQATDQ[Arg259=]SNIRDNVEMI